The following is an entry in ClinVar:

NM_000179.3(MSH6):c.791A>C (p.Glu264Ala)

Gene: MSH6 (mutS homolog 6; plus strand). Cytogenetic location: 2p16.3.
Variant type: single nucleotide variant.
Coding change: c.791A>C on transcript NM_000179.3 (MANE Select); coding-DNA position 791, A replaced by C.
Protein change: p.Glu264Ala; replaces glutamic acid 264 with alanine.
Molecular consequence: missense variant. On other transcripts: 5 prime UTR variant (2).
Genome position (GRCh38, 1-based): chr2:47,798,774, A>C. VCF-style: chr2-47798774-A-C. GRCh37 (hg19) VCF-style: chr2-48025913-A-C.
Other names: c.401A>C, p.Glu134Ala (NM_001281492.2); c.-116A>C (NM_001281493.2, NM_001281494.2, NM_001406811.1 and 6 more transcripts); c.887A>C, p.Glu296Ala (NM_001406795.1, NM_001406802.1); c.791A>C, p.Glu264Ala (NM_001406796.1, NM_001406798.1, NM_001406800.1 and 4 more transcripts); c.494A>C, p.Glu165Ala (NM_001406797.1, NM_001406801.1, NM_001406805.1 and 10 more transcripts); c.266A>C, p.Glu89Ala (NM_001406799.1, NM_001406806.1, NM_001406807.1); c.713A>C, p.Glu238Ala (NM_001406804.1); c.797A>C, p.Glu266Ala (NM_001406813.1); and 1 more; short protein forms E165A, E238A, E264A, E266A, E134A, E208A, E296A, E89A.
Identifiers: ClinVar variation 2106468 (VCV002106468.4), dbSNP rs2104297882, ClinGen allele CA346740286.

ClinVar aggregate classification (germline): Uncertain significance (1 of 4 stars; one submission).

Conditions:
Hereditary nonpolyposis colorectal neoplasms. Identifiers: MedGen C0009405, MeSH D003123.

Submission:

Labcorp Genetics (formerly Invitae), Labcorp
Classification: Uncertain significance for Hereditary nonpolyposis colorectal neoplasms. Last evaluated: 2022-03-03. Review status: criteria provided, single submitter. Criteria: Invitae Variant Classification Sherloc (09022015). Collection method: clinical testing. Allele origin: germline.
Comment: Algorithms developed to predict the effect of missense changes on protein structure and function are either unavailable or do not agree on the potential impact of this missense change (SIFT: "Tolerated"; PolyPhen-2: "Probably Damaging"; Align-GVGD: "Class C0"). In summary, the available evidence is currently insufficient to determine the role of this variant in disease. Therefore, it has been classified as a Variant of Uncertain Significance. This variant has not been reported in the literature in individuals affected with MSH6-related conditions. This variant is not present in population databases (gnomAD no frequency). This sequence change replaces glutamic acid, which is acidic and polar, with alanine, which is neutral and non-polar, at codon 264 of the MSH6 protein (p.Glu264Ala).